The following is an entry in ClinVar:

ClinVar aggregate classification (germline): Uncertain significance (1 of 4 stars; one submission).

Conditions:
Hyperaldosteronism, familial, type IV (HALD4). Also called: FH IV; ALDOSTERONISM, PRIMARY, AND HYPERTENSION. Identifiers: Orphanet 642671, MedGen C4310756, MONDO:0014875, OMIM 617027.
Idiopathic generalized epilepsy. Also called: Generalised epilepsy; EIG. Identifiers: MedGen C0270850, MONDO:0005579, OMIM 600669.

gnomAD v4.1: 1 of 1,551,464 alleles (0.000064%); highest among the groups gnomAD compares: Non-Finnish European, 0.000087%; no homozygotes.

Submission:

Labcorp Genetics (formerly Invitae), Labcorp
Classification: Uncertain significance for Idiopathic generalized epilepsy; Hyperaldosteronism, familial, type IV. Last evaluated: 2025-06-02. Review status: criteria provided, single submitter. Criteria: Invitae Variant Classification Sherloc (09022015). Collection method: clinical testing. Allele origin: germline.
Comment: This sequence change replaces leucine, which is neutral and non-polar, with phenylalanine, which is neutral and non-polar, at codon 1901 of the CACNA1H protein (p.Leu1901Phe). This variant is not present in population databases (gnomAD no frequency). This variant has not been reported in the literature in individuals affected with CACNA1H-related conditions. ClinVar contains an entry for this variant (Variation ID: 3758525). Invitae Evidence Modeling of protein sequence and biophysical properties (such as structural, functional, and spatial information, amino acid conservation, physicochemical variation, residue mobility, and thermodynamic stability) indicates that this missense variant is not expected to disrupt CACNA1H protein function with a negative predictive value of 80%. In summary, the available evidence is currently insufficient to determine the role of this variant in disease. Therefore, it has been classified as a Variant of Uncertain Significance.

NM_021098.3(CACNA1H):c.5703G>T (p.Leu1901Phe)

Gene: CACNA1H (calcium voltage-gated channel subunit alpha1 H; plus strand). Cytogenetic location: 16p13.3.
Variant type: single nucleotide variant.
Coding change: c.5703G>T on transcript NM_021098.3 (MANE Select); coding-DNA position 5703, G replaced by T.
Protein change: p.Leu1901Phe; replaces leucine 1901 with phenylalanine.
Molecular consequence: missense variant.
Genome position (GRCh38, 1-based): chr16:1,218,467, G>T. VCF-style: chr16-1218467-G-T. GRCh37 (hg19) VCF-style: chr16-1268467-G-T.
Other names: c.5685G>T, p.Leu1895Phe (NM_001005407.2); short protein forms L1895F, L1901F.
Identifiers: ClinVar variation 3758525 (VCV003758525.2).